The following is an entry in ClinVar:

NM_203447.4(DOCK8):c.5044C>T (p.His1682Tyr)

Gene: DOCK8 (dedicator of cytokinesis 8; plus strand). Cytogenetic location: 9p24.3.
Variant type: single nucleotide variant.
Coding change: c.5044C>T on transcript NM_203447.4 (MANE Select); coding-DNA position 5044, C replaced by T.
Protein change: p.His1682Tyr; replaces histidine 1682 with tyrosine.
Molecular consequence: missense variant.
Genome position (GRCh38, 1-based): chr9:434,940, C>T. VCF-style: chr9-434940-C-T. GRCh37 (hg19) VCF-style: chr9-434940-C-T.
Other names: c.4744C>T, p.His1582Tyr (NM_001190458.2); c.4840C>T, p.His1614Tyr (NM_001193536.2); short protein forms H1682Y, H1582Y, H1614Y.
Identifiers: ClinVar variation 655848 (VCV000655848.9), dbSNP rs1587034301, ClinGen allele CA372767522.

ClinVar aggregate classification (germline): Uncertain significance (1 of 4 stars; one submission).

Conditions:
Combined immunodeficiency due to DOCK8 deficiency (HIES2). Also called: HIES autosomal recessive; Hyper-IgE recurrent infection syndrome, autosomal recessive; DOCK8 Deficiency; HYPER-IgE SYNDROME 2, AUTOSOMAL RECESSIVE, WITH RECURRENT INFECTIONS; HYPER-IgE RECURRENT INFECTION SYNDROME 2, AUTOSOMAL RECESSIVE. Identifiers: Orphanet 217390, MedGen C4722305, MONDO:0009478, OMIM 243700.

Allele frequency attached by ClinVar (database versions not stated): TOPMed 0.00001.
gnomAD v4.1: 1 of 1,613,356 alleles (0.000062%); highest among the groups gnomAD compares: Middle Eastern, 0.018%; no homozygotes.

Submission:

Labcorp Genetics (formerly Invitae), Labcorp
Classification: Uncertain significance for Combined immunodeficiency due to DOCK8 deficiency. Last evaluated: 2018-10-07. Review status: criteria provided, single submitter. Criteria: Invitae Variant Classification Sherloc (09022015). Collection method: clinical testing. Allele origin: germline.
Comment: This variant has not been reported in the literature in individuals with DOCK8-related disease. In summary, the available evidence is currently insufficient to determine the role of this variant in disease. Therefore, it has been classified as a Variant of Uncertain Significance. Algorithms developed to predict the effect of missense changes on protein structure and function (SIFT, PolyPhen-2, Align-GVGD) all suggest that this variant is likely to be tolerated, but these predictions have not been confirmed by published functional studies and their clinical significance is uncertain. This variant is not present in population databases (ExAC no frequency). This sequence change replaces histidine with tyrosine at codon 1682 of the DOCK8 protein (p.His1682Tyr). The histidine residue is moderately conserved and there is a moderate physicochemical difference between histidine and tyrosine.